The following is an entry in ClinVar:

NM_004104.5(FASN):c.628G>A (p.Gly210Ser)

Gene: FASN (fatty acid synthase; minus strand). Cytogenetic location: 17q25.3.
Variant type: single nucleotide variant.
Coding change: c.628G>A on transcript NM_004104.5 (MANE Select); coding-DNA position 628, G replaced by A.
Protein change: p.Gly210Ser; replaces glycine 210 with serine.
Molecular consequence: missense variant.
Genome position (GRCh38, 1-based): chr17:82,093,246, C>T on the plus strand (G>A on the coding strand, the complement: FASN is on the minus strand). VCF-style: chr17-82093246-C-T. GRCh37 (hg19) VCF-style: chr17-80051122-C-T.
Other names: short protein forms G210S.
Identifiers: ClinVar variation 864751 (VCV000864751.10), dbSNP rs373243965, ClinGen allele CA8853472.

ClinVar aggregate classification (germline): Uncertain significance. Review status: criteria provided, multiple submitters, no conflicts (2 of 4 stars). 2 submissions from 2 submitters: Uncertain significance (2). Last evaluated 2025-11-08.

Conditions:
Epileptic encephalopathy. Identifiers: MedGen C0543888, HP:0200134.

Allele frequency attached by ClinVar (database versions not stated): ExAC below 0.00001; gnomAD exomes 0.00001 and 0.00004; TOPMed 0.00003; gnomAD 0.00004 and 0.00005; ESP Exome Variant Server 0.00008.
gnomAD v4.1: 63 of 1,589,740 alleles (0.004%); highest among the groups gnomAD compares: Non-Finnish European, 0.005%; no homozygotes.

Submissions (2):

Ambry Genetics
Classification: Uncertain significance. Last evaluated: 2025-11-08. Review status: criteria provided, single submitter. Criteria: Ambry Variant Classification Scheme 2023. Collection method: clinical testing. Allele origin: germline.

Labcorp Genetics (formerly Invitae), Labcorp
Classification: Uncertain significance for Epileptic encephalopathy. Last evaluated: 2024-10-04. Review status: criteria provided, single submitter. Criteria: Invitae Variant Classification Sherloc (09022015). Collection method: clinical testing. Allele origin: germline.
Comment: This sequence change replaces glycine, which is neutral and non-polar, with serine, which is neutral and polar, at codon 210 of the FASN protein (p.Gly210Ser). This variant is present in population databases (rs373243965, gnomAD 0.007%). This variant has not been reported in the literature in individuals affected with FASN-related conditions. ClinVar contains an entry for this variant (Variation ID: 864751). An algorithm developed to predict the effect of missense changes on protein structure and function (PolyPhen-2) suggests that this variant is likely to be disruptive. In summary, the available evidence is currently insufficient to determine the role of this variant in disease. Therefore, it has been classified as a Variant of Uncertain Significance.